The following is an entry in ClinVar:

NM_001378969.1(KCND3):c.1883A>G (p.Glu628Gly)

Gene: KCND3 (potassium voltage-gated channel subfamily D member 3; minus strand). Cytogenetic location: 1p13.2.
Variant type: single nucleotide variant.
Coding change: c.1883A>G on transcript NM_001378969.1 (MANE Select); coding-DNA position 1883, A replaced by G.
Protein change: p.Glu628Gly; replaces glutamic acid 628 with glycine.
Molecular consequence: missense variant.
Genome position (GRCh38, 1-based): chr1:111,776,162, T>C on the plus strand (A>G on the coding strand, the complement: KCND3 is on the minus strand). VCF-style: chr1-111776162-T-C. GRCh37 (hg19) VCF-style: chr1-112318784-T-C.
Other names: c.1826A>G, p.Glu609Gly (NM_001378970.1, NM_172198.3); c.1883A>G, p.Glu628Gly (NM_004980.5); short protein forms E609G, E628G.
Identifiers: ClinVar variation 4858619 (VCV004858619.1).

ClinVar aggregate classification (germline): Uncertain significance (1 of 4 stars; one submission).

Conditions:
Cardiovascular phenotype. Identifiers: MedGen CN230736.

gnomAD v4.1: 1 of 1,614,008 alleles (0.000062%); highest among the groups gnomAD compares: African/African-American, 0.0013%; no homozygotes.

Submission:

Ambry Genetics
Classification: Uncertain significance for Cardiovascular phenotype. Last evaluated: 2026-06-09. Review status: criteria provided, single submitter. Criteria: Ambry Variant Classification Scheme 2023. Collection method: clinical testing. Allele origin: germline.
Comment: The p.E628G variant (also known as c.1883A>G), located in coding exon 7 of the KCND3 gene, results from an A to G substitution at nucleotide position 1883. The glutamic acid at codon 628 is replaced by glycine, an amino acid with similar properties. This amino acid position is conserved. In addition, this alteration is predicted to be deleterious by in silico analysis. Based on the available evidence, the clinical significance of this variant remains unclear.